The following is an entry in ClinVar:

NM_144997.7(FLCN):c.1035C>G (p.Val345=)

Gene: FLCN (folliculin; minus strand). Cytogenetic location: 17p11.2.
Variant type: single nucleotide variant.
Coding change: c.1035C>G on transcript NM_144997.7 (MANE Select); coding-DNA position 1035, C replaced by G.
Protein change: p.Val345=; no amino-acid change (valine 345 retained).
Molecular consequence: synonymous variant.
Genome position (GRCh38, 1-based): chr17:17,219,046, G>C on the plus strand (C>G on the coding strand, the complement: FLCN is on the minus strand). VCF-style: chr17-17219046-G-C. GRCh37 (hg19) VCF-style: chr17-17122360-G-C.
Other names: c.1089C>G, p.Val363= (NM_001353229.2); c.1035C>G, p.Val345= (NM_001353230.2, NM_001353231.2).
Identifiers: ClinVar variation 1375527 (VCV001375527.11), dbSNP rs755850825, ClinGen allele CA8416170.

ClinVar aggregate classification (germline): Benign/Likely benign. Review status: criteria provided, multiple submitters, no conflicts (2 of 4 stars). 3 submissions from 3 submitters: Benign (1); Likely benign (2). Last evaluated 2026-01-19.

Conditions:
Birt-Hogg-Dube syndrome. Also called: Birt Hogg Dubé syndrome. Identifiers: Orphanet 122, MedGen C0346010, MONDO:0800444.
Birt-Hogg-Dube syndrome 1 (BHD1). Also called: FIBROFOLLICULOMAS WITH TRICHODISCOMAS AND ACROCHORDONS. Identifiers: Orphanet 122, MedGen CN375946, MONDO:0800445, OMIM 135150.
Hereditary cancer-predisposing syndrome. Also called: Hereditary neoplastic syndrome; Hereditary Cancer Syndrome; Neoplastic Syndromes, Hereditary; Tumor predisposition. Identifiers: Orphanet 140162, MedGen C0027672, MeSH D009386, MONDO:0015356.

Allele frequency attached by ClinVar (database versions not stated): ExAC 0.00001; gnomAD exomes 0.00001.
gnomAD v4.1: 11 of 1,613,822 alleles (0.00068%); highest among the groups gnomAD compares: Non-Finnish European, 0.00085%; no homozygotes.

Submissions (3):

Labcorp Genetics (formerly Invitae), Labcorp
Classification: Likely benign for Birt-Hogg-Dube syndrome. Last evaluated: 2026-01-19. Review status: criteria provided, single submitter. Criteria: Invitae Variant Classification Sherloc (09022015). Collection method: clinical testing. Allele origin: germline.

Myriad Genetics, Inc.
Classification: Benign for Birt-Hogg-Dube syndrome 1. Last evaluated: 2024-10-23. Review status: criteria provided, single submitter. Criteria: Myriad Autosomal Dominant, Autosomal Recessive and X-Linked Classification Criteria (2023). Collection method: clinical testing. Allele origin: unknown.
Comment: This variant is considered benign. This variant is a silent/synonymous amino acid change and it is not expected to impact splicing.

Ambry Genetics
Classification: Likely benign for Hereditary cancer-predisposing syndrome. Last evaluated: 2021-06-23. Review status: criteria provided, single submitter. Criteria: Ambry Variant Classification Scheme 2023. Collection method: clinical testing. Allele origin: germline.